The following is an entry in ClinVar:

NM_001370259.2(MEN1):c.965T>C (p.Met322Thr)

Gene: MEN1 (menin 1; minus strand). Cytogenetic location: 11q13.1.
Variant type: single nucleotide variant.
Coding change: c.965T>C on transcript NM_001370259.2 (MANE Select); coding-DNA position 965, T replaced by C.
Protein change: p.Met322Thr; replaces methionine 322 with threonine.
Molecular consequence: missense variant.
Genome position (GRCh38, 1-based): chr11:64,806,316, A>G on the plus strand (T>C on the coding strand, the complement: MEN1 is on the minus strand). VCF-style: chr11-64806316-A-G. GRCh37 (hg19) VCF-style: chr11-64573788-A-G.
Other names: c.980T>C, p.Met327Thr (NM_000244.4, NM_130800.3, NM_130801.3 and 3 more transcripts); c.965T>C, p.Met322Thr (NM_001370251.2, NM_001370260.2, NM_001370261.2 and 1 more transcripts); c.860T>C, p.Met287Thr (NM_001370262.2, NM_001370263.2); short protein forms M322T, M327T, M287T.
Identifiers: ClinVar variation 880344 (VCV000880344.8), dbSNP rs1941725569, ClinGen allele CA381183348.
Genomic context (GRCh38, chr11:64,806,316, plus strand): 5'-GCCCAGGCCTGCAGGGCTTCCCGCACATTGCGGTTGCGACAGTGGTAGCCAGCCAGGTAC[A>G]TGTAGGGGTAGATGTGTTCATCCCGATAGTAGGTCTTGGCTGAGGCAATGCCCTGGATGG-3'
Protein context (NP_001357188.2, residues 312-332): YYRDEHIYPY[Met322Thr]YLAGYHCRNR

ClinVar aggregate classification (germline): Uncertain significance. Review status: criteria provided, multiple submitters, no conflicts (2 of 4 stars). 4 submissions from 3 submitters: Uncertain significance (4). Last evaluated 2025-08-13.

Conditions:
Multiple endocrine neoplasia, type 1 (MEN1). Also called: Endocrine adenomatosis multiple; MEN 1; MEN I; WERMER SYNDROME; MEA I. Identifiers: Orphanet 652, MedGen C0025267, MeSH D018761, MONDO:0007540, OMIM 131100.
Hyperparathyroidism. Identifiers: MedGen C0020502, MONDO:0001741, HP:0000843.
Hereditary cancer-predisposing syndrome. Also called: Tumor predisposition; Neoplastic Syndromes, Hereditary; Hereditary neoplastic syndrome; Hereditary Cancer Syndrome. Identifiers: Orphanet 140162, MedGen C0027672, MeSH D009386, MONDO:0015356.

Submissions (4):

Ambry Genetics
Classification: Uncertain significance for Hereditary cancer-predisposing syndrome. Last evaluated: 2025-08-13. Review status: criteria provided, single submitter. Criteria: Ambry Variant Classification Scheme 2023. Collection method: clinical testing. Allele origin: germline.
Comment: The p.M322T variant (also known as c.965T>C), located in coding exon 6 of the MEN1 gene, results from a T to C substitution at nucleotide position 965. The methionine at codon 322 is replaced by threonine, an amino acid with similar properties. This amino acid position is well conserved in available vertebrate species. In addition, this alteration is predicted to be deleterious by in silico analysis. Based on the available evidence, the clinical significance of this variant remains unclear.

Labcorp Genetics (formerly Invitae), Labcorp
Classification: Uncertain significance for Multiple endocrine neoplasia, type 1. Last evaluated: 2024-09-25. Review status: criteria provided, single submitter. Criteria: Invitae Variant Classification Sherloc (09022015). Collection method: clinical testing. Allele origin: germline.
Comment: This sequence change replaces methionine, which is neutral and non-polar, with threonine, which is neutral and polar, at codon 322 of the MEN1 protein (p.Met322Thr). This variant is not present in population databases (gnomAD no frequency). This variant has not been reported in the literature in individuals affected with MEN1-related conditions. ClinVar contains an entry for this variant (Variation ID: 880344). Invitae Evidence Modeling of protein sequence and biophysical properties (such as structural, functional, and spatial information, amino acid conservation, physicochemical variation, residue mobility, and thermodynamic stability) has been performed for this missense variant. However, the output from this modeling did not meet the statistical confidence thresholds required to predict the impact of this variant on MEN1 protein function. In summary, the available evidence is currently insufficient to determine the role of this variant in disease. Therefore, it has been classified as a Variant of Uncertain Significance.

Illumina Laboratory Services, Illumina
Classification: Uncertain significance for Hyperparathyroidism. Last evaluated: 2018-01-13. Review status: criteria provided, single submitter. Criteria: ICSL Variant Classification Criteria 13 December 2019. Collection method: clinical testing. Allele origin: germline.

Illumina Laboratory Services, Illumina
Classification: Uncertain significance for Multiple endocrine neoplasia, type 1. Last evaluated: 2018-01-13. Review status: criteria provided, single submitter. Criteria: ICSL Variant Classification Criteria 13 December 2019. Collection method: clinical testing. Allele origin: germline.